The following is an entry in ClinVar:

ClinVar aggregate classification (germline): Uncertain significance. Review status: criteria provided, multiple submitters, no conflicts (2 of 4 stars). 2 submissions from 2 submitters: Uncertain significance (2). Last evaluated 2023-09-07.

Conditions:
Neuropathy, hereditary sensory, type 2C. Also called: KIF1A-Related HSAN2 (HSAN2C); Hereditary sensory and autonomic neuropathy type IIC. Identifiers: Orphanet 970, MedGen C3280168, MONDO:0013634, OMIM 614213.
Intellectual disability, autosomal dominant 9 (NESCAVS). Also called: NESCAV SYNDROME; KIF1A-Related Neurodevelopmental Disorder. Identifiers: Orphanet 662367, MedGen C5393830, MONDO:0013656, OMIM 614255.
Hereditary spastic paraplegia 30. Identifiers: Orphanet 101010, MedGen C5235139, MONDO:0012476.
KIF1A-related disorder. Also called: KIF1A-related disorders; KIF1A-related condition.

Submissions (2):

Labcorp Genetics (formerly Invitae), Labcorp
Classification: Uncertain significance for Hereditary spastic paraplegia 30; Neuropathy, hereditary sensory, type 2C; Intellectual disability, autosomal dominant 9. Last evaluated: 2023-09-07. Review status: criteria provided, single submitter. Criteria: Invitae Variant Classification Sherloc (09022015). Collection method: clinical testing. Allele origin: germline.
Comment: This sequence change replaces aspartic acid, which is acidic and polar, with glutamic acid, which is acidic and polar, at codon 1610 of the KIF1A protein (p.Asp1610Glu). This variant is not present in population databases (gnomAD no frequency). This variant has not been reported in the literature in individuals affected with KIF1A-related conditions. ClinVar contains an entry for this variant (Variation ID: 2416953). Advanced modeling of protein sequence and biophysical properties (such as structural, functional, and spatial information, amino acid conservation, physicochemical variation, residue mobility, and thermodynamic stability) performed at Invitae indicates that this missense variant is not expected to disrupt KIF1A protein function. In summary, the available evidence is currently insufficient to determine the role of this variant in disease. Therefore, it has been classified as a Variant of Uncertain Significance.

PreventionGenetics, part of Exact Sciences
Classification: Uncertain significance for KIF1A-related condition. Last evaluated: 2023-04-28. Review status: criteria provided, single submitter. Criteria: ACMG Guidelines, 2015. Collection method: clinical testing. Allele origin: germline.
Comment: The KIF1A c.5133C>G variant is predicted to result in the amino acid substitution p.Asp1711Glu. To our knowledge, this variant has not been reported in the literature or in a large population database, indicating this variant is rare. At this time, the clinical significance of this variant is uncertain due to the absence of conclusive functional and genetic evidence.

NM_001244008.2(KIF1A):c.5133C>G (p.Asp1711Glu)

Gene: KIF1A (kinesin family member 1A; minus strand). Cytogenetic location: 2q37.3.
Variant type: single nucleotide variant.
Coding change: c.5133C>G on transcript NM_001244008.2 (MANE Select); coding-DNA position 5133, C replaced by G.
Protein change: p.Asp1711Glu; replaces aspartic acid 1711 with glutamic acid.
Molecular consequence: missense variant.
Genome position (GRCh38, 1-based): chr2:240,719,087, G>C on the plus strand (C>G on the coding strand, the complement: KIF1A is on the minus strand). VCF-style: chr2-240719087-G-C. GRCh37 (hg19) VCF-style: chr2-241658504-G-C.
Other names: c.4857C>G, p.Asp1619Glu (NM_001320705.2, NM_001379649.1); c.4884C>G, p.Asp1628Glu (NM_001330289.2); c.4932C>G, p.Asp1644Glu (NM_001330290.2, NM_001379648.1); c.5208C>G, p.Asp1736Glu (NM_001379631.1); c.5109C>G, p.Asp1703Glu (NM_001379632.1); c.5106C>G, p.Asp1702Glu (NM_001379633.1, NM_001379645.1); c.4959C>G, p.Asp1653Glu (NM_001379634.1); c.4956C>G, p.Asp1652Glu (NM_001379635.1, NM_001379646.1); and 7 more; short protein forms D1609E, D1610E, D1618E, D1619E, D1627E, D1628E, D1635E, D1644E.
Identifiers: ClinVar variation 2416953 (VCV002416953.9), dbSNP rs944955991, ClinGen allele CA68132778.